The following is an entry in ClinVar:

NM_152468.5(TMC8):c.1025G>T (p.Gly342Val)

Gene: TMC8 (transmembrane channel like 8; plus strand). Cytogenetic location: 17q25.3.
Variant type: single nucleotide variant.
Coding change: c.1025G>T on transcript NM_152468.5 (MANE Select); coding-DNA position 1025, G replaced by T.
Protein change: p.Gly342Val; replaces glycine 342 with valine.
Molecular consequence: missense variant.
Genome position (GRCh38, 1-based): chr17:78,134,907, G>T. VCF-style: chr17-78134907-G-T. GRCh37 (hg19) VCF-style: chr17-76130988-G-T.
Other names: short protein forms G342V.
Identifiers: ClinVar variation 2051829 (VCV002051829.4), dbSNP rs1328226485, ClinGen allele CA401246089.

ClinVar aggregate classification (germline): Uncertain significance (1 of 4 stars; one submission).

Conditions:
Epidermodysplasia verruciformis. Identifiers: Orphanet 302, MedGen C0014522, MONDO:0009176.

Submission:

Labcorp Genetics (formerly Invitae), Labcorp
Classification: Uncertain significance for Epidermodysplasia verruciformis. Last evaluated: 2023-08-17. Review status: criteria provided, single submitter. Criteria: Invitae Variant Classification Sherloc (09022015). Collection method: clinical testing. Allele origin: germline.
Comment: Advanced modeling of protein sequence and biophysical properties (such as structural, functional, and spatial information, amino acid conservation, physicochemical variation, residue mobility, and thermodynamic stability) performed at Invitae indicates that this missense variant is not expected to disrupt TMC8 protein function. In summary, the available evidence is currently insufficient to determine the role of this variant in disease. Therefore, it has been classified as a Variant of Uncertain Significance. ClinVar contains an entry for this variant (Variation ID: 2051829). This sequence change replaces glycine, which is neutral and non-polar, with valine, which is neutral and non-polar, at codon 342 of the TMC8 protein (p.Gly342Val). This variant is not present in population databases (gnomAD no frequency). This variant has not been reported in the literature in individuals affected with TMC8-related conditions.